The following is an entry in ClinVar:

ClinVar aggregate classification (germline): Uncertain significance (1 of 4 stars; one submission).

Conditions:
Leukoencephalopathy with brain stem and spinal cord involvement-high lactate syndrome (LBSL). Also called: Leukoencephalopathy with Brainstem and Spinal Cord Involvement and Lactate Elevation; MITOCHONDRIAL ASPARTYL-tRNA SYNTHETASE DEFICIENCY; LEUKOENCEPHALOPATHY WITH BRAINSTEM AND SPINAL CORD INVOLVEMENT AND LACTATE ELEVATION, MILD. Identifiers: Orphanet 137898, MedGen C1970180, MONDO:0012622, OMIM 611105.

Submission:

Broad Center for Mendelian Genomics, Broad Institute of MIT and Harvard
Classification: Uncertain significance for Leukoencephalopathy with brain stem and spinal cord involvement-high lactate syndrome. Last evaluated: 2025-01-21. Review status: criteria provided, single submitter. Criteria: ACMG Guidelines, 2015. Collection method: curation. Allele origin: germline. Inheritance: Autosomal recessive inheritance.
Comment: The p.Gly206Glu variant in DARS2 has been reported in one individual with leukoencephalopathy with brain stem and spinal cord involvement-high lactate syndrome (PMID: 24566671), and has been identified in 0.001% (1/90896) of South Asian chromosomes by the Genome Aggregation Database (gnomAD). Although this variant has been seen in the general population in a heterozygous state, its frequency is low enough to be consistent with a recessive carrier frequency. Computational prediction tools and conservation analyses suggest that this variant may impact the protein, though this information is not predictive enough to determine pathogenicity. In summary, the clinical significance of the p.Gly206Glu variant is uncertain. ACMG/AMP Criteria applied: PP3_moderate, PM2_supporting (Richards 2015).

NM_018122.5(DARS2):c.617G>A (p.Gly206Glu)

Gene: DARS2 (aspartyl-tRNA synthetase 2, mitochondrial; plus strand). Cytogenetic location: 1q25.1.
Variant type: single nucleotide variant.
Coding change: c.617G>A on transcript NM_018122.5 (MANE Select); coding-DNA position 617, G replaced by A.
Protein change: p.Gly206Glu; replaces glycine 206 with glutamic acid.
Molecular consequence: missense variant.
Genome position (GRCh38, 1-based): chr1:173,834,473, G>A. VCF-style: chr1-173834473-G-A. GRCh37 (hg19) VCF-style: chr1-173803611-G-A.
Other names: NM_001365213.2:c.617G>A; c.617G>A, p.Gly206Glu (NM_001365212.1, NM_001365213.2); short protein forms G206E.
Identifiers: ClinVar variation 3776815 (VCV003776815.1).